The following is an entry in ClinVar:

NM_000388.4(CASR):c.2825AGC[6] (p.Gln946dup)

Gene: CASR (calcium sensing receptor; plus strand). Cytogenetic location: 3q21.1.
Variant type: Microsatellite.
Coding change: c.2825AGC[6] on transcript NM_000388.4 (MANE Select); six copies in a row of the 3-base unit AGC starting at c.2825; the reference has five copies in a row; one copy, 3 bases duplicated; also written c.2837_2839dup.
Protein change: p.Gln946dup; duplicates glutamine 946.
Molecular consequence: inframe insertion.
Genome position (GRCh38, 1-based): chr3:122,284,791-122,284,793, AGC duplicated; duplicating any 3 consecutive bases within chr3:122,284,779-122,284,793 gives the same sequence; the position shown is the placement nearest the transcript's 3' end. VCF-style (leftmost placement, unchanged base first): chr3-122284778-G-GAGC. GRCh37 (hg19) VCF-style: chr3-122003625-G-GAGC.
Other names: c.2855AGC[6], p.Gln956dup (NM_001178065.2); c.2837_2839dup (NM_000388.3).
Identifiers: ClinVar variation 645047 (VCV000645047.11), dbSNP rs747740545, ClinGen allele CA2569872.

ClinVar aggregate classification (germline): Conflicting classifications of pathogenicity. Review status: criteria provided, conflicting classifications (1 of 4 stars). 2 submissions from 2 submitters: Uncertain significance (1); Likely benign (1). Last evaluated 2025-12-13.

Conditions:
Nephrolithiasis/nephrocalcinosis. Identifiers: MedGen CN580796.
Familial hypocalciuric hypercalcemia (FHH). Also called: Familial benign hypercalcemia. Identifiers: Orphanet 405, MedGen C1809471, MONDO:0018458.
Autosomal dominant hypocalcemia 1 (HYPOC1). Also called: HYPOCALCEMIA, FAMILIAL. Identifiers: MedGen C3715128, MONDO:0011013, OMIM 601198.

Submissions (2):

Labcorp Genetics (formerly Invitae), Labcorp
Classification: Likely benign for Familial hypocalciuric hypercalcemia; Autosomal dominant hypocalcemia 1. Last evaluated: 2025-12-13. Review status: criteria provided, single submitter. Criteria: Invitae Variant Classification Sherloc (09022015). Collection method: clinical testing. Allele origin: germline.

Ambry Genetics
Classification: Uncertain significance for Nephrolithiasis/nephrocalcinosis. Last evaluated: 2022-03-25. Review status: criteria provided, single submitter. Criteria: Ambry Variant Classification Scheme 2023. Collection method: clinical testing. Allele origin: germline.
Comment: The c.2837_2839dupAGC variant (also known as p.Q946dup), located in coding exon 6 of the CASR gene, results from an in-frame duplication of AGC at nucleotide positions 2837 to 2839. This results in the duplication of an extra residue between codons 946 and 947. This amino acid position is not well conserved in available vertebrate species. In addition, this alteration is predicted to be neutral by in silico analysis (Choi Y et al. PLoS ONE. 2012; 7(10):e46688). Since supporting evidence is limited at this time, the clinical significance of this alteration remains unclear.